The following is an entry in ClinVar:

ClinVar aggregate classification (germline): Uncertain significance (1 of 4 stars; one submission).

Submission:

GeneDx
Classification: Uncertain significance. Last evaluated: 2023-05-13. Review status: criteria provided, single submitter. Criteria: GeneDx Variant Classification Process June 2021. Collection method: clinical testing. Allele origin: germline. Affected: yes.
Comment: Not observed at significant frequency in large population cohorts (gnomAD); In silico analysis supports that this missense variant has a deleterious effect on protein structure/function; Has not been previously published as pathogenic or benign to our knowledge

NM_001127222.2(CACNA1A):c.984C>G (p.Asn328Lys)

Genes: CACNA1A (calcium voltage-gated channel subunit alpha1 A; minus strand), LOC126862866 (MED14-independent group 3 enhancer GRCh37_chr19:13445719-13446918; plus strand). Cytogenetic location: 19p13.13.
Variant type: single nucleotide variant.
Coding change: c.984C>G on transcript NM_001127222.2 (MANE Select); coding-DNA position 984, C replaced by G.
Protein change: p.Asn328Lys; replaces asparagine 328 with lysine.
Molecular consequence: missense variant.
Genome position (GRCh38, 1-based): chr19:13,335,904, G>C on the plus strand (C>G on the coding strand, the complement: CACNA1A is on the minus strand). VCF-style: chr19-13335904-G-C. GRCh37 (hg19) VCF-style: chr19-13446718-G-C.
Other names: c.984C>G, p.Asn328Lys (NM_000068.4, NM_001127221.2, NM_001174080.2 and 1 more transcripts); short protein forms N328K.
Identifiers: ClinVar variation 2662986 (VCV002662986.1), dbSNP rs772301380, ClinGen allele CA404346879.
Genomic context (GRCh38, chr19:13,335,904, plus strand): 5'-GGAGCCGATGATGATGAGGGGGATGAAGTACAACCAGTTCCAAGTGTTCCCTGAGGCATC[G>C]TTGCTCTGTAGGGTGTGAGGAGGGAAAGCAGGTGAGAGTTGACTGGGACTCAGATAGAAC-3'
Protein context (NP_001120694.1, residues 318-338): EGWTDLLYNS[Asn328Lys]DASGNTWNWL